The following is an entry in ClinVar:

NM_000179.3(MSH6):c.1557G>A (p.Lys519=)

Gene: MSH6 (mutS homolog 6; plus strand). Cytogenetic location: 2p16.3.
Variant type: single nucleotide variant.
Coding change: c.1557G>A on transcript NM_000179.3 (MANE Select); coding-DNA position 1557, G replaced by A.
Protein change: p.Lys519=; no amino-acid change (lysine 519 retained).
Molecular consequence: synonymous variant. On other transcripts: non-coding transcript variant (4), intron variant (1).
Genome position (GRCh38, 1-based): chr2:47,799,540, G>A. VCF-style: chr2-47799540-G-A. GRCh37 (hg19) VCF-style: chr2-48026679-G-A.
Other names: c.651G>A, p.Lys217= (NM_001281494.2, NM_001406811.1, NM_001406812.1 and 6 more transcripts); c.1653G>A, p.Lys551= (NM_001406795.1, NM_001406802.1); c.1557G>A, p.Lys519= (NM_001406796.1, NM_001406798.1, NM_001406800.1 and 4 more transcripts); c.1260G>A, p.Lys420= (NM_001406797.1, NM_001406801.1, NM_001406805.1 and 10 more transcripts); c.1032G>A, p.Lys344= (NM_001406799.1, NM_001406806.1, NM_001406807.1); c.1479G>A, p.Lys493= (NM_001406804.1); c.1563G>A, p.Lys521= (NM_001406813.1); c.1389G>A, p.Lys463= (NM_001406826.1); and 2 more.
Identifiers: ClinVar variation 3903998 (VCV003903998.1).

ClinVar aggregate classification (germline): Benign (1 of 4 stars; one submission).

Conditions:
Lynch syndrome 5 (LYNCH5). Also called: Colorectal cancer, hereditary nonpolyposis, type 5; Hereditary non-polyposis colorectal cancer, type 5. Identifiers: Orphanet 144, MedGen C1833477, MONDO:0013710, OMIM 614350. Disease mechanism: loss of function.

Submission:

Myriad Genetics, Inc.
Classification: Benign for Lynch syndrome 5. Last evaluated: 2024-12-27. Review status: criteria provided, single submitter. Criteria: Myriad Autosomal Dominant, Autosomal Recessive and X-Linked Classification Criteria (2023). Collection method: clinical testing. Allele origin: unknown.
Comment: This variant is considered benign. This variant is a silent/synonymous amino acid change and it is not expected to impact splicing.